The following is an entry in ClinVar:

ClinVar aggregate classification (germline): Uncertain significance. Review status: criteria provided, multiple submitters, no conflicts (2 of 4 stars). 2 submissions from 2 submitters: Uncertain significance (2). Last evaluated 2025-10-10.

Conditions:
Hereditary cancer-predisposing syndrome. Also called: Tumor predisposition; Hereditary Cancer Syndrome; Hereditary neoplastic syndrome; Neoplastic Syndromes, Hereditary. Identifiers: Orphanet 140162, MedGen C0027672, MeSH D009386, MONDO:0015356.
Gastrointestinal stromal tumor. Also called: Gastrointestinal stroma tumor; Gastrointestinal stromal tumor, somatic. Identifiers: Orphanet 44890, MedGen C0238198, MeSH D046152, MONDO:0011719, OMIM 606764, HP:0100723.

Allele frequency attached by ClinVar (database versions not stated): gnomAD exomes below 0.00001.
gnomAD v4.1: 1 of 1,612,808 alleles (0.000062%); highest among the groups gnomAD compares: Non-Finnish European, 0.000085%; no homozygotes.

Submissions (2):

Ambry Genetics
Classification: Uncertain significance for Hereditary cancer-predisposing syndrome. Last evaluated: 2025-10-10. Review status: criteria provided, single submitter. Criteria: Ambry Variant Classification Scheme 2023. Collection method: clinical testing. Allele origin: germline.
Comment: The p.H391R variant (also known as c.1172A>G), located in coding exon 7 of the PDGFRA gene, results from an A to G substitution at nucleotide position 1172. The histidine at codon 391 is replaced by arginine, an amino acid with highly similar properties. This amino acid position is well conserved in available vertebrate species. In addition, this alteration is predicted to be tolerated by in silico analysis. Based on the available evidence, the clinical significance of this variant remains unclear.

Labcorp Genetics (formerly Invitae), Labcorp
Classification: Uncertain significance for Gastrointestinal stromal tumor. Last evaluated: 2024-12-18. Review status: criteria provided, single submitter. Criteria: Invitae Variant Classification Sherloc (09022015). Collection method: clinical testing. Allele origin: germline.
Comment: This sequence change replaces histidine, which is basic and polar, with arginine, which is basic and polar, at codon 391 of the PDGFRA protein (p.His391Arg). This variant is not present in population databases (gnomAD no frequency). This variant has not been reported in the literature in individuals affected with PDGFRA-related conditions. ClinVar contains an entry for this variant (Variation ID: 1387378). Invitae Evidence Modeling of protein sequence and biophysical properties (such as structural, functional, and spatial information, amino acid conservation, physicochemical variation, residue mobility, and thermodynamic stability) indicates that this missense variant is not expected to disrupt PDGFRA protein function with a negative predictive value of 80%. In summary, the available evidence is currently insufficient to determine the role of this variant in disease. Therefore, it has been classified as a Variant of Uncertain Significance.

NM_006206.6(PDGFRA):c.1172A>G (p.His391Arg)

Gene: PDGFRA (platelet derived growth factor receptor alpha; plus strand). Cytogenetic location: 4q12.
Variant type: single nucleotide variant.
Coding change: c.1172A>G on transcript NM_006206.6 (MANE Select); coding-DNA position 1172, A replaced by G.
Protein change: p.His391Arg; replaces histidine 391 with arginine.
Molecular consequence: missense variant.
Genome position (GRCh38, 1-based): chr4:54,270,683, A>G. VCF-style: chr4-54270683-A-G. GRCh37 (hg19) VCF-style: chr4-55136850-A-G.
Other names: c.1172A>G, p.His391Arg (NM_001347829.2, NM_001347827.2); c.1211A>G, p.His404Arg (NM_001347830.2); c.1172A>G (NM_006206.4); c.1247A>G, p.His416Arg (NM_001347828.2); short protein forms H391R, H404R, H416R.
Identifiers: ClinVar variation 1387378 (VCV001387378.13), dbSNP rs2110279726, ClinGen allele CA356891974.
Genomic context (GRCh38, chr4:54,270,683, plus strand): 5'-TTTTTAAAAGGTATCGAAGCAAATTAAAGCTGATCCGTGCTAAGGAAGAAGACAGTGGCC[A>G]TTATACTATTGTAGCTCAAAATGAAGATGCTGTGAAGAGCTATACTTTTGAACTGTTAAC-3'
Protein context (NP_006197.1, residues 381-401): LIRAKEEDSG[His391Arg]YTIVAQNEDA